The following is an entry in ClinVar:

ClinVar aggregate classification (germline): Uncertain significance (1 of 4 stars; one submission).

Conditions:
LRRC45-related disorder. Also called: LRRC45-related condition.

gnomAD v4.1: 6 of 1,568,650 alleles (0.00038%); highest among the groups gnomAD compares: Non-Finnish European, 0.00052%; no homozygotes.

Submission:

PreventionGenetics, part of Exact Sciences
Classification: Uncertain significance for LRRC45-related condition. Last evaluated: 2026-03-27. Review status: criteria provided, single submitter. Criteria: ACMG Guidelines, 2015. Collection method: clinical testing. Allele origin: germline.
Comment: The LRRC45 c.151G>A variant is predicted to result in the amino acid substitution p.Gly51Ser. To our knowledge, this variant has not been reported in the literature or in a large population database (gnomAD), indicating this variant is rare. At this time, the clinical significance of this variant is uncertain due to the absence of conclusive functional and genetic evidence.

NM_144999.4(LRRC45):c.151G>A (p.Gly51Ser)

Gene: LRRC45 (leucine rich repeat containing 45; plus strand). Cytogenetic location: 17q25.3.
Variant type: single nucleotide variant.
Coding change: c.151G>A on transcript NM_144999.4 (MANE Select); coding-DNA position 151, G replaced by A.
Protein change: p.Gly51Ser; replaces glycine 51 with serine.
Molecular consequence: missense variant.
Genome position (GRCh38, 1-based): chr17:82,023,794, G>A. VCF-style: chr17-82023794-G-A. GRCh37 (hg19) VCF-style: chr17-79981670-G-A.
Other names: short protein forms G51S.
Identifiers: ClinVar variation 4985245 (VCV004985245.1).